The following is an entry in ClinVar:

ClinVar aggregate classification (germline): Uncertain significance. Review status: criteria provided, multiple submitters, no conflicts (2 of 4 stars). 2 submissions from 2 submitters: Uncertain significance (2). Last evaluated 2025-07-09.

Conditions:
Combined immunodeficiency due to STIM1 deficiency. Also called: IMMUNODEFICIENCY 10; STIM1 DEFICIENCY. Identifiers: Orphanet 169090, Orphanet 317430, MedGen C2748557, MONDO:0013008, OMIM 612783.
Myopathy with tubular aggregates (TAM). Also called: Tubular Aggregate Myopathy. Identifiers: Orphanet 2593, MedGen C0410207, MONDO:0008051.
Stormorken syndrome (STRMK). Also called: THROMBOCYTOPATHY, ASPLENIA, AND MIOSIS. Identifiers: Orphanet 3204, MedGen C1861451, MONDO:0008497, OMIM 185070.

Allele frequency attached by ClinVar (database versions not stated): gnomAD 0.00001 and 0.00003; ExAC 0.00004; gnomAD exomes 0.00004 and 0.00008.
gnomAD v4.1: 51 of 1,614,094 alleles (0.0032%); highest among the groups gnomAD compares: South Asian, 0.055%; 4 homozygotes.

Submissions (2):

Labcorp Genetics (formerly Invitae), Labcorp
Classification: Uncertain significance for Myopathy with tubular aggregates; Combined immunodeficiency due to STIM1 deficiency; Stormorken syndrome. Last evaluated: 2025-07-09. Review status: criteria provided, single submitter. Criteria: Invitae Variant Classification Sherloc (09022015). Collection method: clinical testing. Allele origin: germline.
Comment: This sequence change replaces methionine, which is neutral and non-polar, with threonine, which is neutral and polar, at codon 480 of the STIM1 protein (p.Met480Thr). This variant is present in population databases (rs762820296, gnomAD 0.04%). This variant has not been reported in the literature in individuals affected with STIM1-related conditions. ClinVar contains an entry for this variant (Variation ID: 946404). Invitae Evidence Modeling of protein sequence and biophysical properties (such as structural, functional, and spatial information, amino acid conservation, physicochemical variation, residue mobility, and thermodynamic stability) has been performed for this missense variant. However, the output from this modeling did not meet the statistical confidence thresholds required to predict the impact of this variant on STIM1 protein function. In summary, the available evidence is currently insufficient to determine the role of this variant in disease. Therefore, it has been classified as a Variant of Uncertain Significance.

Revvity Omics, Revvity
Classification: Uncertain significance. Last evaluated: 2021-08-19. Review status: criteria provided, single submitter. Criteria: ACMG Guidelines, 2015. Collection method: clinical testing. Allele origin: germline.

NM_001382567.1(STIM1):c.1439T>C (p.Met480Thr)

Gene: STIM1 (stromal interaction molecule 1; plus strand). Cytogenetic location: 11p15.4.
Variant type: single nucleotide variant.
Coding change: c.1439T>C on transcript NM_001382567.1 (MANE Select); coding-DNA position 1439, T replaced by C.
Protein change: p.Met480Thr; replaces methionine 480 with threonine.
Molecular consequence: missense variant. On other transcripts: non-coding transcript variant (2).
Genome position (GRCh38, 1-based): chr11:4,083,463, T>C. VCF-style: chr11-4083463-T-C. GRCh37 (hg19) VCF-style: chr11-4104693-T-C.
Other names: c.1439T>C, p.Met480Thr (NM_001277961.3, NM_001277962.2, NM_003156.4); c.1217T>C, p.Met406Thr (NM_001382566.1, NM_001382573.1, NM_001382575.1 and 4 more transcripts); c.1460T>C, p.Met487Thr (NM_001382568.1); c.1304T>C, p.Met435Thr (NM_001382569.1); c.1211T>C, p.Met404Thr (NM_001382570.1); c.959T>C, p.Met320Thr (NM_001382571.1); c.950T>C, p.Met317Thr (NM_001382580.1, NM_001382581.1); short protein forms M317T, M320T, M406T, M435T, M480T, M404T, M487T.
Identifiers: ClinVar variation 946404 (VCV000946404.9), dbSNP rs762820296, ClinGen allele CA5830469.